The following is an entry in ClinVar:

ClinVar aggregate classification (germline): Uncertain significance (1 of 4 stars; one submission).

gnomAD v4.1: 105 of 1,534,662 alleles (0.0068%); highest among the groups gnomAD compares: African/African-American, 0.099%; no homozygotes.

Submission:

GeneDx
Classification: Uncertain significance. Last evaluated: 2024-03-13. Review status: criteria provided, single submitter. Criteria: GeneDx Variant Classification Process June 2021. Collection method: clinical testing. Allele origin: germline. Affected: yes.
Comment: Has not been previously published as pathogenic or benign to our knowledge; In-silico analysis is inconclusive as to whether the variant impacts protein structure/function. In the absence of functional studies, the actual effect of this sequence change is unknown.; Reported using an alternate transcript of the gene

NM_001301071.2(DOK7):c.1772G>A (p.Arg591Gln)

Gene: DOK7 (docking protein 7; plus strand). Cytogenetic location: 4p16.3.
Variant type: single nucleotide variant.
Coding change: c.1772G>A on transcript NM_001301071.2; coding-DNA position 1772, G replaced by A.
Protein change: p.Arg591Gln; replaces arginine 591 with glutamine.
Molecular consequence: missense variant.
Genome position (GRCh38, 1-based): chr4:3,500,770, G>A. VCF-style: chr4-3500770-G-A. GRCh37 (hg19) VCF-style: chr4-3502497-G-A.
Other names: c.1340G>A, p.Arg447Gln (NM_001363811.2); short protein forms R447Q, R591Q.
Identifiers: ClinVar variation 3370761 (VCV003370761.1).